The following is an entry in ClinVar:

ClinVar aggregate classification (germline): Conflicting classifications of pathogenicity. Review status: criteria provided, conflicting classifications (1 of 4 stars). 3 submissions from 3 submitters: Uncertain significance (2); Likely benign (1). Last evaluated 2025-12-17.

Conditions:
Cardiovascular phenotype. Identifiers: MedGen CN230736.
Long QT syndrome (LQTS). Identifiers: MedGen C0023976, MeSH D008133, MONDO:0002442. Disease mechanism: loss of function. Inheritance: Various modes of inheritance.

gnomAD v4.1: 20 of 1,610,018 alleles (0.0012%); highest among the groups gnomAD compares: Non-Finnish European, 0.0017%; no homozygotes.

Submissions (3):

Ambry Genetics
Classification: Uncertain significance for Cardiovascular phenotype. Last evaluated: 2025-12-17. Review status: criteria provided, single submitter. Criteria: Ambry Variant Classification Scheme 2023. Collection method: clinical testing. Allele origin: germline.

Labcorp Genetics (formerly Invitae), Labcorp
Classification: Uncertain significance for Long QT syndrome. Last evaluated: 2025-09-10. Review status: criteria provided, single submitter. Criteria: Invitae Variant Classification Sherloc (09022015). Collection method: clinical testing. Allele origin: germline.
Comment: This sequence change replaces lysine, which is basic and polar, with arginine, which is basic and polar, at codon 3563 of the AKAP9 protein (p.Lys3563Arg). This variant is present in population databases (rs150527358, gnomAD 0.005%). This variant has not been reported in the literature in individuals affected with AKAP9-related conditions. An algorithm developed to predict the effect of missense changes on protein structure and function outputs the following: PolyPhen-2: "Benign". The arginine amino acid residue is found in multiple mammalian species, which suggests that this missense change does not adversely affect protein function. In summary, the available evidence is currently insufficient to determine the role of this variant in disease. Therefore, it has been classified as a Variant of Uncertain Significance.

Blueprint Genetics
Classification: Likely benign. Last evaluated: 2021-07-08. Review status: criteria provided, single submitter. Criteria: ACMG Guidelines, 2015. Collection method: clinical testing. Allele origin: germline.

NM_005751.5(AKAP9):c.10688A>G (p.Lys3563Arg)

Gene: AKAP9 (A-kinase anchoring protein 9; plus strand). Cytogenetic location: 7q21.2.
Variant type: single nucleotide variant.
Coding change: c.10688A>G on transcript NM_005751.5 (MANE Select); coding-DNA position 10688, A replaced by G.
Protein change: p.Lys3563Arg; replaces lysine 3563 with arginine.
Molecular consequence: missense variant.
Genome position (GRCh38, 1-based): chr7:92,098,189, A>G. VCF-style: chr7-92098189-A-G. GRCh37 (hg19) VCF-style: chr7-91727503-A-G.
Other names: c.5333A>G, p.Lys1778Arg (NM_001379277.1); c.10664A>G, p.Lys3555Arg (NM_147185.3); short protein forms K1778R, K3555R, K3563R.
Identifiers: ClinVar variation 4741398 (VCV004741398.3).